The following is an entry in ClinVar:

NM_002047.4(GARS1):c.1905G>A (p.Ser635=)

Gene: GARS1 (glycyl-tRNA synthetase 1; plus strand). Cytogenetic location: 7p14.3.
Variant type: single nucleotide variant.
Coding change: c.1905G>A on transcript NM_002047.4 (MANE Select); coding-DNA position 1905, G replaced by A.
Protein change: p.Ser635=; no amino-acid change (serine 635 retained).
Molecular consequence: synonymous variant.
Genome position (GRCh38, 1-based): chr7:30,632,248, G>A. VCF-style: chr7-30632248-G-A. GRCh37 (hg19) VCF-style: chr7-30671864-G-A.
Other names: c.1743G>A, p.Ser581= (NM_001316772.1).
Identifiers: ClinVar variation 694995 (VCV000694995.12), dbSNP rs773889809, ClinGen allele CA4206123.

ClinVar aggregate classification (germline): Uncertain significance. Review status: criteria provided, multiple submitters, no conflicts (2 of 4 stars). 4 submissions from 4 submitters: Uncertain significance (3). 1 of the submissions does not count toward it. Last evaluated 2023-10-15.

Conditions:
Charcot-Marie-Tooth disease type 2. Also called: Charcot-Marie-Tooth type 2. Identifiers: Orphanet 64746, MedGen C0270914, MONDO:0018993.
Charcot-Marie-Tooth disease. Also called: Charcot-Marie-Tooth Neuropathy; Charcot-Marie-Tooth Hereditary Neuropathy. Identifiers: Orphanet 166, MedGen C0007959, MONDO:0015626.

Allele frequency attached by ClinVar (database versions not stated): gnomAD 0.00001; TOPMed 0.00001.

Submissions (5):

Labcorp Genetics (formerly Invitae), Labcorp
Classification: Uncertain significance for Charcot-Marie-Tooth disease type 2. Last evaluated: 2023-10-15. Review status: criteria provided, single submitter. Criteria: Invitae Variant Classification Sherloc (09022015). Collection method: clinical testing. Allele origin: germline.
Comment: This sequence change affects codon 635 of the GARS mRNA. It is a 'silent' change, meaning that it does not change the encoded amino acid sequence of the GARS protein. This variant is present in population databases (rs773889809, gnomAD 0.009%). This variant has not been reported in the literature in individuals affected with GARS-related conditions. ClinVar contains an entry for this variant (Variation ID: 694995). Algorithms developed to predict the effect of sequence changes on RNA splicing suggest that this variant may create or strengthen a splice site. In summary, the available evidence is currently insufficient to determine the role of this variant in disease. Therefore, it has been classified as a Variant of Uncertain Significance.

Athena Diagnostics
Classification: Uncertain significance. Last evaluated: 2023-08-18. Review status: criteria provided, single submitter. Criteria: Athena Diagnostics Criteria. Collection method: clinical testing. Allele origin: unknown.
Comment: Available data are insufficient to determine the clinical significance of the variant at this time. The frequency of this variant in the general population is higher than would generally be expected for pathogenic variants in this gene. Computational tools yielded inconclusive predictions regarding the effect of this variant on RNA splicing.

GeneDx
Classification: Uncertain significance. Last evaluated: 2023-08-18. Review status: criteria provided, single submitter. Criteria: GeneDx Variant Classification Process June 2021. Collection method: clinical testing. Allele origin: germline. Affected: yes.
Comment: In silico analysis supports a deleterious effect on splicing; Has not been previously published as pathogenic or benign to our knowledge

Genesis Genome Database
Classification: Uncertain significance for Charcot-Marie-Tooth disease. Last evaluated: 2019-08-14. Review status: no assertion criteria provided. Collection method: research. Allele origin: germline. Affected: yes. Not counted in ClinVar's aggregate classification.

Dr. Peter K. Rogan Lab, Western University
No classification provided (evidence only). Condition: Chronic lymphocytic leukemia/small lymphocytic lymphoma. Review status: no classification provided. Collection method: in vitro. Allele origin: not applicable. Functional consequence: retained intron. Not counted in ClinVar's aggregate classification.

Literature cited by the submitters: PubMed 35304488 (cited by Athena Diagnostics).